The following is an entry in ClinVar:

ClinVar aggregate classification (germline): Uncertain significance. Review status: criteria provided, multiple submitters, no conflicts (2 of 4 stars). 2 submissions from 2 submitters: Uncertain significance (2). Last evaluated 2022-09-19.

Conditions:
LAMA2-related muscular dystrophy (LAMA2-RD). Also called: Laminin alpha 2-related dystrophy. Identifiers: MedGen C5679788, MONDO:0100228.

Allele frequency attached by ClinVar (database versions not stated): gnomAD exomes below 0.00001 and 0.00001; ExAC 0.00001.
gnomAD v4.1: 3 of 1,613,286 alleles (0.00019%); highest among the groups gnomAD compares: Admixed American, 0.0033%; no homozygotes.

Submissions (2):

Labcorp Genetics (formerly Invitae), Labcorp
Classification: Uncertain significance for LAMA2-related muscular dystrophy. Last evaluated: 2022-09-19. Review status: criteria provided, single submitter. Criteria: Invitae Variant Classification Sherloc (09022015). Collection method: clinical testing. Allele origin: germline.
Comment: This sequence change replaces serine, which is neutral and polar, with tyrosine, which is neutral and polar, at codon 421 of the LAMA2 protein (p.Ser421Tyr). This variant is present in population databases (rs775603569, gnomAD 0.006%). This variant has not been reported in the literature in individuals affected with LAMA2-related conditions. ClinVar contains an entry for this variant (Variation ID: 586114). Advanced modeling of protein sequence and biophysical properties (such as structural, functional, and spatial information, amino acid conservation, physicochemical variation, residue mobility, and thermodynamic stability) performed at Invitae indicates that this missense variant is not expected to disrupt LAMA2 protein function. In summary, the available evidence is currently insufficient to determine the role of this variant in disease. Therefore, it has been classified as a Variant of Uncertain Significance.

Athena Diagnostics
Classification: Uncertain significance. Last evaluated: 2017-12-15. Review status: criteria provided, single submitter. Criteria: Athena Diagnostics Criteria. Collection method: clinical testing. Allele origin: germline.

NM_000426.4(LAMA2):c.1262C>A (p.Ser421Tyr)

Gene: LAMA2 (laminin subunit alpha 2; plus strand). Cytogenetic location: 6q22.33.
Variant type: single nucleotide variant.
Coding change: c.1262C>A on transcript NM_000426.4 (MANE Select); coding-DNA position 1262, C replaced by A.
Protein change: p.Ser421Tyr; replaces serine 421 with tyrosine.
Molecular consequence: missense variant.
Genome position (GRCh38, 1-based): chr6:129,165,631, C>A. VCF-style: chr6-129165631-C-A. GRCh37 (hg19) VCF-style: chr6-129486776-C-A.
Other names: c.1262C>A, p.Ser421Tyr (NM_001079823.2); short protein forms S421Y.
Identifiers: ClinVar variation 586114 (VCV000586114.5), dbSNP rs775603569, ClinGen allele CA3992569.